The following is an entry in ClinVar:

ClinVar aggregate classification (germline): Pathogenic (1 of 4 stars; one submission).

Conditions:
Familial thoracic aortic aneurysm and aortic dissection (TAAD). Also called: Thoracic aortic aneurysms and dissections. Identifiers: Orphanet 91387, MedGen C4707243, MONDO:0019625.
Marfan syndrome (MFS). Also called: Marfan syndrome type 1; Marfan's syndrome; Marfan syndrome, classic; MARFAN SYNDROME, TYPE I; FBN1-Related Marfan Syndrome. Identifiers: Orphanet 284963, Orphanet 558, MedGen C0024796, MONDO:0007947, OMIM 154700.

Submission:

Labcorp Genetics (formerly Invitae), Labcorp
Classification: Pathogenic for Marfan syndrome; Familial thoracic aortic aneurysm and aortic dissection. Last evaluated: 2020-02-05. Review status: criteria provided, single submitter. Criteria: Invitae Variant Classification Sherloc (09022015). Collection method: clinical testing. Allele origin: germline.
Comment: Loss-of-function variants in FBN1 are known to be pathogenic (PMID: 17657824, 19293843). For these reasons, this variant has been classified as Pathogenic. This variant has not been reported in the literature in individuals with FBN1-related conditions. This variant is a gross deletion of the genomic region encompassing exons 2-13 of the FBN1 gene, which includes the initiator codon. The 5' end of this event is unknown as it extends beyond the assayed region for this gene and therefore may encompass additional genes. The 3' boundary is likely confined to intron 13 of the FBN1 gene. This is expected to result in an absent or disrupted protein product.

Literature cited by the submitters: PubMed 17657824; PubMed 19293843.

NC_000015.9:g.(?_48805736)_(48936976_?)del

Gene: FBN1 (fibrillin 1; minus strand). Cytogenetic location: 15q21.1.
Variant type: Deletion.
Identifiers: ClinVar variation 1073740 (VCV001073740.5).